The following is an entry in ClinVar:

ClinVar aggregate classification (germline): Uncertain significance. Review status: criteria provided, multiple submitters, no conflicts (2 of 4 stars). 2 submissions from 2 submitters: Uncertain significance (2). Last evaluated 2022-01-27.

Conditions:
PMM2-congenital disorder of glycosylation. Also called: PMM2-CDG; Congenital disorder of glycosylation, type Ia; PHOSPHOMANNOMUTASE 2 DEFICIENCY; CARBOHYDRATE-DEFICIENT GLYCOPROTEIN SYNDROME, TYPE Ia; CDG Ia; JAEKEN SYNDROME. Identifiers: Orphanet 79318, MedGen C0349653, MONDO:0008907, OMIM 212065.

Allele frequency attached by ClinVar (database versions not stated): gnomAD exomes below 0.00001.
gnomAD v4.1: 4 of 1,610,346 alleles (0.00025%); highest among the groups gnomAD compares: Non-Finnish European, 0.00025%; no homozygotes.

Submissions (2):

GeneDx
Classification: Uncertain significance. Last evaluated: 2022-01-27. Review status: criteria provided, single submitter. Criteria: GeneDx Variant Classification Process June 2021. Collection method: clinical testing. Allele origin: germline. Affected: yes.
Comment: Has not been previously published as pathogenic or benign to our knowledge; Not observed at significant frequency in large population cohorts (gnomAD); In silico analysis supports that this missense variant has a deleterious effect on protein structure/function

Labcorp Genetics (formerly Invitae), Labcorp
Classification: Uncertain significance for PMM2-congenital disorder of glycosylation. Last evaluated: 2022-01-18. Review status: criteria provided, single submitter. Criteria: Invitae Variant Classification Sherloc (09022015). Collection method: clinical testing. Allele origin: germline.
Comment: In summary, the available evidence is currently insufficient to determine the role of this variant in disease. Therefore, it has been classified as a Variant of Uncertain Significance. Algorithms developed to predict the effect of missense changes on protein structure and function are either unavailable or do not agree on the potential impact of this missense change (SIFT: "Deleterious"; PolyPhen-2: "Possibly Damaging"; Align-GVGD: "Class C0"). This variant has not been reported in the literature in individuals affected with PMM2-related conditions. This variant is not present in population databases (gnomAD no frequency). This sequence change replaces aspartic acid, which is acidic and polar, with asparagine, which is neutral and polar, at codon 14 of the PMM2 protein (p.Asp14Asn).

NM_000303.3(PMM2):c.40G>A (p.Asp14Asn)

Gene: PMM2 (phosphomannomutase 2; plus strand). Cytogenetic location: 16p13.2.
Variant type: single nucleotide variant.
Coding change: c.40G>A on transcript NM_000303.3 (MANE Select); coding-DNA position 40, G replaced by A.
Protein change: p.Asp14Asn; replaces aspartic acid 14 with asparagine.
Molecular consequence: missense variant.
Genome position (GRCh38, 1-based): chr16:8,797,922, G>A. VCF-style: chr16-8797922-G-A. GRCh37 (hg19) VCF-style: chr16-8891779-G-A.
Other names: short protein forms D14N.
Identifiers: ClinVar variation 1699797 (VCV001699797.7), dbSNP rs1473030550, ClinGen allele CA394694847.